The following is an entry in ClinVar:

ClinVar aggregate classification (germline): Uncertain significance (1 of 4 stars; one submission).

Submission:

GeneDx
Classification: Uncertain significance. Last evaluated: 2024-09-07. Review status: criteria provided, single submitter. Criteria: GeneDx Variant Classification Process June 2021. Collection method: clinical testing. Allele origin: germline. Affected: yes.
Comment: Not observed at significant frequency in large population cohorts (gnomAD); In silico analysis supports that this missense variant has a deleterious effect on protein structure/function; Has not been previously published as pathogenic or benign to our knowledge.

NM_006940.6(SOX5):c.412A>G (p.Ser138Gly)

Gene: SOX5 (SRY-box transcription factor 5; minus strand). Cytogenetic location: 12p12.1.
Variant type: single nucleotide variant.
Coding change: c.412A>G on transcript NM_006940.6 (MANE Select); coding-DNA position 412, A replaced by G.
Protein change: p.Ser138Gly; replaces serine 138 with glycine.
Molecular consequence: missense variant.
Genome position (GRCh38, 1-based): chr12:23,846,052, T>C on the plus strand (A>G on the coding strand, the complement: SOX5 is on the minus strand). VCF-style: chr12-23846052-T-C. GRCh37 (hg19) VCF-style: chr12-23998986-T-C.
Other names: c.373A>G, p.Ser125Gly (NM_001261414.3, NM_152989.5); c.382A>G, p.Ser128Gly (NM_001261415.3); c.307A>G, p.Ser103Gly (NM_001330785.2); short protein forms S103G, S125G, S128G, S138G.
Identifiers: ClinVar variation 3767465 (VCV003767465.1).